The following is an entry in ClinVar:

ClinVar aggregate classification (germline): Uncertain significance (1 of 4 stars; one submission).

Allele frequency attached by ClinVar (database versions not stated): gnomAD exomes below 0.00001.

Submission:

Labcorp Genetics (formerly Invitae), Labcorp
Classification: Uncertain significance. Last evaluated: 2024-10-30. Review status: criteria provided, single submitter. Criteria: Invitae Variant Classification Sherloc (09022015). Collection method: clinical testing. Allele origin: germline.
Comment: This sequence change replaces arginine, which is basic and polar, with glycine, which is neutral and non-polar, at codon 183 of the TPP1 protein (p.Arg183Gly). This variant is not present in population databases (gnomAD no frequency). This variant has not been reported in the literature in individuals affected with TPP1-related conditions. ClinVar contains an entry for this variant (Variation ID: 2814344). Invitae Evidence Modeling of protein sequence and biophysical properties (such as structural, functional, and spatial information, amino acid conservation, physicochemical variation, residue mobility, and thermodynamic stability) indicates that this missense variant is not expected to disrupt TPP1 protein function with a negative predictive value of 95%. In summary, the available evidence is currently insufficient to determine the role of this variant in disease. Therefore, it has been classified as a Variant of Uncertain Significance.

NM_000391.4(TPP1):c.547A>G (p.Arg183Gly)

Gene: TPP1 (tripeptidyl peptidase 1; minus strand). Cytogenetic location: 11p15.4.
Variant type: single nucleotide variant.
Coding change: c.547A>G on transcript NM_000391.4 (MANE Select); coding-DNA position 547, A replaced by G.
Protein change: p.Arg183Gly; replaces arginine 183 with glycine.
Molecular consequence: missense variant.
Genome position (GRCh38, 1-based): chr11:6,617,115, T>C on the plus strand (A>G on the coding strand, the complement: TPP1 is on the minus strand). VCF-style: chr11-6617115-T-C. GRCh37 (hg19) VCF-style: chr11-6638346-T-C.
Other names: short protein forms R183G.
Identifiers: ClinVar variation 2814344 (VCV002814344.3), dbSNP rs2493799515, ClinGen allele CA379475591.